The following is an entry in ClinVar:

NM_001148.6(ANK2):c.1919A>G (p.Asn640Ser)

Gene: ANK2 (ankyrin 2; plus strand). Cytogenetic location: 4q26.
Variant type: single nucleotide variant.
Coding change: c.1919A>G on transcript NM_001148.6 (MANE Select); coding-DNA position 1919, A replaced by G.
Protein change: p.Asn640Ser; replaces asparagine 640 with serine.
Molecular consequence: missense variant.
Genome position (GRCh38, 1-based): chr4:113,282,712, A>G. VCF-style: chr4-113282712-A-G. GRCh37 (hg19) VCF-style: chr4-114203868-A-G.
Other names: c.1919A>G (NM_001148.4); c.1856A>G, p.Asn619Ser (NM_001127493.3, NM_001354254.2, NM_001354255.2 and 10 more transcripts); c.1919A>G, p.Asn640Ser (NM_001354225.2, NM_001354228.2, NM_001354232.2 and 6 more transcripts); c.1964A>G, p.Asn655Ser (NM_001354230.2, NM_001354231.2, NM_001354237.2 and 5 more transcripts); c.1757A>G, p.Asn586Ser (NM_001354253.2, NM_001354257.2, NM_001386156.1 and 1 more transcripts); c.1733A>G, p.Asn578Ser (NM_001354260.2, NM_001386151.1, NM_001354271.2); c.1877A>G, p.Asn626Ser (NM_001354261.2, NM_001386147.1, NM_001386160.1); c.1832A>G, p.Asn611Ser (NM_001354274.2, NM_001354276.2, NM_001386142.1 and 10 more transcripts); and 9 more; short protein forms N570S, N586S, N611S, N640S, N649S, N512S, N545S, N574S.
Identifiers: ClinVar variation 1401909 (VCV001401909.7), dbSNP rs759958342, ClinGen allele CA3050411.

ClinVar aggregate classification (germline): Uncertain significance. Review status: criteria provided, multiple submitters, no conflicts (2 of 4 stars). 2 submissions from 2 submitters: Uncertain significance (2). Last evaluated 2025-08-03.

Conditions:
Long QT syndrome (LQTS). Identifiers: MedGen C0023976, MeSH D008133, MONDO:0002442. Disease mechanism: loss of function. Inheritance: Various modes of inheritance.
Cardiovascular phenotype. Identifiers: MedGen CN230736.

Allele frequency attached by ClinVar (database versions not stated): gnomAD exomes 0.00003 and 0.00001; TOPMed 0.00001; ExAC 0.00003; gnomAD 0.00001.
gnomAD v4.1: 9 of 1,613,668 alleles (0.00056%); highest among the groups gnomAD compares: Admixed American, 0.015%; no homozygotes.

Submissions (2):

Ambry Genetics
Classification: Uncertain significance for Cardiovascular phenotype. Last evaluated: 2025-08-03. Review status: criteria provided, single submitter. Criteria: Ambry Variant Classification Scheme 2023. Collection method: clinical testing. Allele origin: germline.
Comment: The p.N640S variant (also known as c.1919A>G), located in coding exon 18 of the ANK2 gene, results from an A to G substitution at nucleotide position 1919. The asparagine at codon 640 is replaced by serine, an amino acid with highly similar properties. This amino acid position is conserved. In addition, this alteration is predicted to be tolerated by in silico analysis. Based on the available evidence, the clinical significance of this variant remains unclear.

Labcorp Genetics (formerly Invitae), Labcorp
Classification: Uncertain significance for Long QT syndrome. Last evaluated: 2025-07-02. Review status: criteria provided, single submitter. Criteria: Invitae Variant Classification Sherloc (09022015). Collection method: clinical testing. Allele origin: germline.
Comment: This sequence change replaces asparagine, which is neutral and polar, with serine, which is neutral and polar, at codon 640 of the ANK2 protein (p.Asn640Ser). This variant is present in population databases (rs759958342, gnomAD 0.02%). This variant has not been reported in the literature in individuals affected with ANK2-related conditions. ClinVar contains an entry for this variant (Variation ID: 1401909). Invitae Evidence Modeling of protein sequence and biophysical properties (such as structural, functional, and spatial information, amino acid conservation, physicochemical variation, residue mobility, and thermodynamic stability) indicates that this missense variant is not expected to disrupt ANK2 protein function with a negative predictive value of 80%. In summary, the available evidence is currently insufficient to determine the role of this variant in disease. Therefore, it has been classified as a Variant of Uncertain Significance.